The following is an entry in ClinVar:

ClinVar aggregate classification (germline): Uncertain significance (1 of 4 stars; one submission).

Conditions:
Inborn genetic diseases. Identifiers: MedGen C0950123, MeSH D030342.

gnomAD v4.1: 1 of 1,612,374 alleles (0.000062%); highest among the groups gnomAD compares: Non-Finnish European, 0.000085%; no homozygotes.

Submission:

Ambry Genetics
Classification: Uncertain significance for Inborn genetic diseases. Last evaluated: 2026-09-08. Review status: criteria provided, single submitter. Criteria: Ambry Variant Classification Scheme 2023. Collection method: clinical testing. Allele origin: germline.
Comment: The p.I954T variant (also known as c.2861T>C), located in coding exon 12 of the BMPR2 gene, results from a T to C substitution at nucleotide position 2861. The isoleucine at codon 954 is replaced by threonine, an amino acid with similar properties. This amino acid position is conserved. In addition, this alteration is predicted to be tolerated by in silico analysis. Based on the available evidence, the clinical significance of this variant remains unclear.

NM_001204.7(BMPR2):c.2861T>C (p.Ile954Thr)

Gene: BMPR2 (bone morphogenetic protein receptor type 2; plus strand). Cytogenetic location: 2q33.2.
Variant type: single nucleotide variant.
Coding change: c.2861T>C on transcript NM_001204.7 (MANE Select); coding-DNA position 2861, T replaced by C.
Protein change: p.Ile954Thr; replaces isoleucine 954 with threonine.
Molecular consequence: missense variant.
Genome position (GRCh38, 1-based): chr2:202,556,526, T>C. VCF-style: chr2-202556526-T-C. GRCh37 (hg19) VCF-style: chr2-203421249-T-C.
Other names: short protein forms I954T.
Identifiers: ClinVar variation 5033136 (VCV005033136.1).